The following is an entry in ClinVar:

ClinVar aggregate classification (germline): Uncertain significance (1 of 4 stars; one submission).

Conditions:
Leigh syndrome (NULS). Also called: Leigh's necrotizing encephalopathy; Leigh's disease; Leigh Syndrome (mtDNA deletion); Leigh Disease; Subacute necrotizing encephalopathy; Necrotizing encephalopathy infantile subacute of Leigh. Identifiers: Orphanet 506, MedGen C2931891, MONDO:0009723, OMIM 256000.

Submission:

Wong Mito Lab, Molecular and Human Genetics, Baylor College of Medicine
Classification: Uncertain significance for Leigh syndrome. Last evaluated: 2019-10-17. Review status: criteria provided, single submitter. Criteria: Modified ACMG Guidelines (Unpublished). Collection method: clinical testing. Allele origin: germline.
Comment: The NC_012920.1:m.13336T>C (YP_003024036.1:p.Phe334Leu) variant in MTND5 gene is interpretated to be a Uncertain Significance variant based on the modified ACMG guidelines (unpublished). This variant meets the following evidence codes: PP6, PP7, BP4

NC_012920.1(MT-ND5):m.13336T>C

Gene: MT-ND5 (mitochondrially encoded NADH dehydrogenase 5; plus strand).
Variant type: single nucleotide variant.
Genome position: chrM-13336-T-C.
Identifiers: ClinVar variation 693546 (VCV000693546.1), dbSNP rs1603224150, ClinGen allele CA414817521.